The following is an entry in ClinVar:

NM_001317778.2(SFTPC):c.289G>C (p.Gly97Arg)

Gene: SFTPC (surfactant protein C; plus strand). Cytogenetic location: 8p21.3.
Variant type: single nucleotide variant.
Coding change: c.289G>C on transcript NM_001317778.2 (MANE Select); coding-DNA position 289, G replaced by C.
Protein change: p.Gly97Arg; replaces glycine 97 with arginine.
Molecular consequence: missense variant.
Genome position (GRCh38, 1-based): chr8:22,163,167, G>C. VCF-style: chr8-22163167-G-C. GRCh37 (hg19) VCF-style: chr8-22020680-G-C.
Other names: c.289G>C, p.Gly97Arg (NM_001172357.2, NM_001172410.2, NM_001317780.2 and 8 more transcripts); c.130G>C, p.Gly44Arg (NM_001317779.2, NM_001385660.1); short protein forms G44R, G97R.
Identifiers: ClinVar variation 2501714 (VCV002501714.2), dbSNP rs927644577, ClinGen allele CA370537448.
Genomic context (GRCh38, chr8:22,163,167, plus strand): 5'-GAAGCCCAGCAACGCCTGGCCCTGAGTGAGCACCTGGTTACCACTGCCACCTTCTCCATC[G>C]GCTCCACTGGCCTCGTGGTGTATGACTACCAGCAGGTGGGTATGCCCAGACCTCCTGACC-3'
Protein context (NP_001304707.1, residues 87-107): HLVTTATFSI[Gly97Arg]STGLVVYDYQ

ClinVar aggregate classification (germline): Uncertain significance (1 of 4 stars; one submission).

Conditions:
Surfactant metabolism dysfunction, pulmonary, 2 (SMDP2). Also called: DESQUAMATIVE INTERSTITIAL PNEUMONITIS DUE TO SURFACTANT PROTEIN C DEFICIENCY; INTERSTITIAL LUNG DISEASE DUE TO SURFACTANT PROTEIN C DEFICIENCY; PULMONARY ALVEOLAR PROTEINOSIS, CONGENITAL, 2. Identifiers: Orphanet 440392, MedGen C1970470, MONDO:0024465, OMIM 610913.

Submission:

Department of Medical Genomics, Royal Prince Alfred Hospital
Classification: Uncertain significance for Surfactant metabolism dysfunction, pulmonary, 2. Last evaluated: 2023-05-10. Review status: criteria provided, single submitter. Criteria: ACMG Guidelines, 2015. Collection method: clinical testing. Allele origin: unknown. Affected: yes. Observed: 1 heterozygote.
Comment: This is a rare variant that has not been observed in control population (gnomAD). This missense variant is located within the GST turn in the secondary structure of the BRICHOS domain (PMID: 15778495, 22308375). In silico analysis by REVEL suggested a possible pathogenic effect (score 0.718). A different missense variant at the same position, p.(Gly97Ser), has been reported in a case of infant-onset chronic pneumonitis in homozygous form, but both carrier parents were asymptomatic (PMID: 24347240). The current evidence allows a classification of variant of uncertain significance (ACMG criteria: PM1, PM2_supporting, PP3).